The following is an entry in ClinVar:

NM_152515.5(CKAP2L):c.1157T>A (p.Phe386Tyr)

Gene: CKAP2L (cytoskeleton associated protein 2 like; minus strand). Cytogenetic location: 2q14.1.
Variant type: single nucleotide variant.
Coding change: c.1157T>A on transcript NM_152515.5 (MANE Select); coding-DNA position 1157, T replaced by A.
Protein change: p.Phe386Tyr; replaces phenylalanine 386 with tyrosine.
Molecular consequence: missense variant.
Genome position (GRCh38, 1-based): chr2:112,756,214, A>T on the plus strand (T>A on the coding strand, the complement: CKAP2L is on the minus strand). VCF-style: chr2-112756214-A-T. GRCh37 (hg19) VCF-style: chr2-113513791-A-T.
Other names: c.662T>A, p.Phe221Tyr (NM_001304361.2); short protein forms F386Y, F221Y.
Identifiers: ClinVar variation 2966199 (VCV002966199.3), dbSNP rs2467067110, ClinGen allele CA348296663.

ClinVar aggregate classification (germline): Uncertain significance (1 of 4 stars; one submission).

Allele frequency attached by ClinVar (database versions not stated): gnomAD exomes below 0.00001.
gnomAD v4.1: 5 of 1,614,142 alleles (0.00031%); highest among the groups gnomAD compares: Non-Finnish European, 0.00042%; no homozygotes.

Submission:

Labcorp Genetics (formerly Invitae), Labcorp
Classification: Uncertain significance. Last evaluated: 2023-10-03. Review status: criteria provided, single submitter. Criteria: Invitae Variant Classification Sherloc (09022015). Collection method: clinical testing. Allele origin: germline.
Comment: This sequence change replaces phenylalanine, which is neutral and non-polar, with tyrosine, which is neutral and polar, at codon 386 of the CKAP2L protein (p.Phe386Tyr). This variant is not present in population databases (gnomAD no frequency). This variant has not been reported in the literature in individuals affected with CKAP2L-related conditions. Advanced modeling of protein sequence and biophysical properties (such as structural, functional, and spatial information, amino acid conservation, physicochemical variation, residue mobility, and thermodynamic stability) performed at Invitae indicates that this missense variant is expected to disrupt CKAP2L protein function. In summary, the available evidence is currently insufficient to determine the role of this variant in disease. Therefore, it has been classified as a Variant of Uncertain Significance.